The following is an entry in ClinVar:

ClinVar aggregate classification (germline): Likely benign. Review status: criteria provided, multiple submitters, no conflicts (2 of 4 stars). 3 submissions from 3 submitters: Likely benign (3). Last evaluated 2024-04-09.

Conditions:
Multiple endocrine neoplasia, type 2 (MEN2). Identifiers: Orphanet 653, MedGen C4048306, MONDO:0019003. Disease mechanism: gain of function.
Hereditary cancer-predisposing syndrome. Also called: Neoplastic Syndromes, Hereditary; Tumor predisposition; Hereditary Cancer Syndrome; Hereditary neoplastic syndrome. Identifiers: Orphanet 140162, MedGen C0027672, MeSH D009386, MONDO:0015356.

Allele frequency attached by ClinVar (database versions not stated): TOPMed below 0.00001.

Submissions (3):

Labcorp Genetics (formerly Invitae), Labcorp
Classification: Likely benign for Multiple endocrine neoplasia, type 2. Last evaluated: 2024-04-09. Review status: criteria provided, single submitter. Criteria: Invitae Variant Classification Sherloc (09022015). Collection method: clinical testing. Allele origin: germline.

All of Us Research Program, National Institutes of Health
Classification: Likely benign for Multiple endocrine neoplasia, type 2. Last evaluated: 2023-09-17. Review status: criteria provided, single submitter. Criteria: ACMG Guidelines, 2015. Collection method: clinical testing. Allele origin: germline. Inheritance: Autosomal dominant inheritance. Observed: 1 variant allele, 1 heterozygote.
Comment: This study involves interpretation of variants in research participants for the purpose of population health screening. Participant phenotype was not available at the time of variant classification. Additional details can be found in publication PMID: 35346344, PMCID: PMC8962531

Ambry Genetics
Classification: Likely benign for Hereditary cancer-predisposing syndrome. Last evaluated: 2022-08-23. Review status: criteria provided, single submitter. Criteria: Ambry Variant Classification Scheme 2023. Collection method: clinical testing. Allele origin: germline.

NM_020975.6(RET):c.675G>A (p.Thr225=)

Gene: RET (ret proto-oncogene; plus strand). Cytogenetic location: 10q11.21.
Variant type: single nucleotide variant.
Coding change: c.675G>A on transcript NM_020975.6 (MANE Select); coding-DNA position 675, G replaced by A.
Protein change: p.Thr225=; no amino-acid change (threonine 225 retained).
Molecular consequence: synonymous variant. On other transcripts: 5 prime UTR variant (1), intron variant (22).
Genome position (GRCh38, 1-based): chr10:43,105,001, G>A. VCF-style: chr10-43105001-G-A. GRCh37 (hg19) VCF-style: chr10-43600449-G-A.
Other names: c.675G>A, p.Thr225= (NM_000323.2, NM_001406743.1, NM_001406744.1 and 8 more transcripts); c.-88G>A (NM_001355216.2); c.546G>A, p.Thr182= (NM_001406761.1, NM_001406762.1, NM_001406764.1 and 2 more transcripts); c.387G>A, p.Thr129= (NM_001406766.1, NM_001406767.1, NM_001406770.1); c.625+2372G>A (NM_001406773.1, NM_001406771.1, NM_001406782.1 and 5 more transcripts); c.496+2372G>A (NM_001406786.1, NM_001406783.1); c.338-4030G>A (NM_001406778.1, NM_001406775.1, NM_001406776.1 and 1 more transcripts); c.337+4279G>A (NM_001406790.1, NM_001406788.1, NM_001406789.1 and 1 more transcripts); and 2 more.
Identifiers: ClinVar variation 1755296 (VCV001755296.8), dbSNP rs1837730338, ClinGen allele CA469021509.